The following is an entry in ClinVar:

NM_000038.6(APC):c.442C>T (p.Leu148Phe)

Gene: APC (APC regulator of Wnt signaling pathway; plus strand). Cytogenetic location: 5q22.2.
Variant type: single nucleotide variant.
Coding change: c.442C>T on transcript NM_000038.6 (MANE Select); coding-DNA position 442, C replaced by T.
Protein change: p.Leu148Phe; replaces leucine 148 with phenylalanine.
Molecular consequence: missense variant. On other transcripts: 5 prime UTR variant (1).
Genome position (GRCh38, 1-based): chr5:112,775,648, C>T. VCF-style: chr5-112775648-C-T. GRCh37 (hg19) VCF-style: chr5-112111345-C-T.
Other names: c.442C>T, p.Leu148Phe (NM_001127510.3, NM_001354895.2, NM_001354896.2 and 2 more transcripts); c.472C>T, p.Leu158Phe (NM_001127511.3, NM_001354897.2, NM_001354902.2); c.367C>T, p.Leu123Phe (NM_001354898.2, NM_001354904.2); c.265C>T, p.Leu89Phe (NM_001354900.2, NM_001354901.2, NM_001354905.2); c.-594C>T (NM_001354906.2); short protein forms L123F, L148F, L158F, L89F.
Identifiers: ClinVar variation 1217733 (VCV001217733.6), dbSNP rs774964663, ClinGen allele CA16022286.

ClinVar aggregate classification (germline): Uncertain significance. Review status: criteria provided, multiple submitters, no conflicts (2 of 4 stars). 2 submissions from 2 submitters: Uncertain significance (2). Last evaluated 2023-10-17.

Conditions:
Familial adenomatous polyposis 1 (FAP1). Also called: FAMILIAL ADENOMATOUS POLYPOSIS 1, ATTENUATED; POLYPOSIS, ADENOMATOUS INTESTINAL. Identifiers: MedGen C2713442, MONDO:0021056, OMIM 175100. Disease mechanism: loss of function.

Submissions (2):

Labcorp Genetics (formerly Invitae), Labcorp
Classification: Uncertain significance for Familial adenomatous polyposis 1. Last evaluated: 2023-10-17. Review status: criteria provided, single submitter. Criteria: Invitae Variant Classification Sherloc (09022015). Collection method: clinical testing. Allele origin: germline.
Comment: This sequence change replaces leucine, which is neutral and non-polar, with phenylalanine, which is neutral and non-polar, at codon 148 of the APC protein (p.Leu148Phe). This variant is not present in population databases (gnomAD no frequency). This variant has not been reported in the literature in individuals affected with APC-related conditions. ClinVar contains an entry for this variant (Variation ID: 1217733). Advanced modeling of protein sequence and biophysical properties (such as structural, functional, and spatial information, amino acid conservation, physicochemical variation, residue mobility, and thermodynamic stability) performed at Invitae indicates that this missense variant is not expected to disrupt APC protein function. In summary, the available evidence is currently insufficient to determine the role of this variant in disease. Therefore, it has been classified as a Variant of Uncertain Significance.

GeneDx
Classification: Uncertain significance. Last evaluated: 2020-01-21. Review status: criteria provided, single submitter. Criteria: GeneDx Variant Classification Process June 2021. Collection method: clinical testing. Allele origin: germline. Affected: yes.
Comment: Has not been previously published as pathogenic or benign to our knowledge; Not observed in large population cohorts (Lek 2016); In silico analysis, which includes protein predictors and evolutionary conservation, supports that this variant does not alter protein structure/function